The following is an entry in ClinVar:

ClinVar aggregate classification (germline): Uncertain significance (1 of 4 stars; one submission).

Conditions:
Hereditary cancer-predisposing syndrome. Also called: Hereditary Cancer Syndrome; Neoplastic Syndromes, Hereditary; Tumor predisposition; Hereditary neoplastic syndrome. Identifiers: Orphanet 140162, MedGen C0027672, MeSH D009386, MONDO:0015356.

gnomAD v4.1: 1 of 1,614,084 alleles (0.000062%); highest among the groups gnomAD compares: Non-Finnish European, 0.000085%; no homozygotes.

Submission:

Ambry Genetics
Classification: Uncertain significance for Hereditary cancer-predisposing syndrome. Last evaluated: 2026-07-16. Review status: criteria provided, single submitter. Criteria: Ambry Variant Classification Scheme 2023. Collection method: clinical testing. Allele origin: germline.
Comment: The p.G116W variant (also known as c.346G>T), located in coding exon 2 of the CHEK2 gene, results from a G to T substitution at nucleotide position 346. The glycine at codon 116 is replaced by tryptophan, an amino acid with highly dissimilar properties. In an assay testing gene function, this variant showed a functionally normal result (McCarthy-Leo CE et al. PLoS Genet, 2024 Aug;20:e1011375). This amino acid position is highly conserved in available vertebrate species. In addition, this alteration is predicted to be deleterious by in silico analysis. Based on the available evidence, the clinical significance of this variant remains unclear.

NM_007194.4(CHEK2):c.346G>T (p.Gly116Trp)

Gene: CHEK2 (checkpoint kinase 2; minus strand). Cytogenetic location: 22q12.1.
Variant type: single nucleotide variant.
Coding change: c.346G>T on transcript NM_007194.4 (MANE Select); coding-DNA position 346, G replaced by T.
Protein change: p.Gly116Trp; replaces glycine 116 with tryptophan.
Molecular consequence: missense variant. On other transcripts: 5 prime UTR variant (2).
Genome position (GRCh38, 1-based): chr22:28,725,341, C>A on the plus strand (G>T on the coding strand, the complement: CHEK2 is on the minus strand). VCF-style: chr22-28725341-C-A. GRCh37 (hg19) VCF-style: chr22-29121329-C-A.
Other names: c.475G>T, p.Gly159Trp (NM_001005735.3, NM_001438294.1); c.-432G>T (NM_001257387.3); c.346G>T, p.Gly116Trp (NM_001349956.3, NM_145862.3); c.-318G>T (NM_001437942.1); c.439G>T, p.Gly147Trp (NM_001438293.1, NM_001438295.1); short protein forms G116W, G147W, G159W.
Identifiers: ClinVar variation 5034556 (VCV005034556.1).